The following is an entry in ClinVar:

NM_001791.4(CDC42):c.124G>A (p.Val42Ile)

Gene: CDC42 (cell division cycle 42; plus strand). Cytogenetic location: 1p36.12.
Variant type: single nucleotide variant.
Coding change: c.124G>A on transcript NM_001791.4 (MANE Select); coding-DNA position 124, G replaced by A.
Protein change: p.Val42Ile; replaces valine 42 with isoleucine.
Molecular consequence: missense variant.
Genome position (GRCh38, 1-based): chr1:22,081,740, G>A. VCF-style: chr1-22081740-G-A. GRCh37 (hg19) VCF-style: chr1-22408233-G-A.
Other names: c.124G>A, p.Val42Ile (NM_001039802.2, NM_044472.3); short protein forms V42I.
Identifiers: ClinVar variation 372848 (VCV000372848.39), dbSNP rs1057518022, ClinGen allele CA16042336.

ClinVar aggregate classification (germline): Likely pathogenic. Review status: criteria provided, multiple submitters, no conflicts (2 of 4 stars). 2 submissions from 2 submitters: Likely pathogenic (2). Last evaluated 2020-08-01.

Submissions (2):

CeGaT Center for Human Genetics Tuebingen
Classification: Likely pathogenic. Last evaluated: 2020-08-01. Review status: criteria provided, single submitter. Criteria: CeGaT Center For Human Genetics Tuebingen Variant Classification Criteria Version 2. Collection method: clinical testing. Allele origin: germline. Affected: yes. Observed: 1 variant allele.

GeneDx
Classification: Likely pathogenic. Last evaluated: 2016-02-19. Review status: criteria provided, single submitter. Criteria: GeneDx Variant Classification (06012015). Collection method: clinical testing. Allele origin: germline. Affected: yes.
Comment: The V42I variant in the CDC42 gene has not been reported previously as a pathogenic variant, nor as a benign variant, to our knowledge. The V42I variant was not observed in approximately 6500 individuals of European and African American ancestry in the NHLBI Exome Sequencing Project, indicating it is not a common benign variant in these populations. The V42I variant is a conservative amino acid substitution, which is not likely to impact secondary protein structure as these residues share similar properties. This substitution occurs at a position that is conserved across species, and in silico analysis predicts this variant is probably damaging to the protein structure/function. We interpret V42I as a likely pathogenic variant. However, the possibility it may be a rare benign variant cannot be excluded.